The following continues an entry in ClinVar:

NM_000059.4(BRCA2):c.9076C>T (p.Gln3026Ter)

Gene: BRCA2. ClinVar aggregate classification (germline): Pathogenic. Pathogenic (1).

Submissions 10 to 22 of 22:

Laboratory for Molecular Medicine, Mass General Brigham Personalized Medicine
Classification: Pathogenic for Hereditary breast ovarian cancer syndrome. Last evaluated: 2018-07-18. Review status: criteria provided, single submitter. Criteria: LMM Criteria. Collection method: clinical testing. Allele origin: germline. Inheritance: Autosomal dominant inheritance. Observed: 1 variant allele. Not counted in ClinVar's aggregate classification.
Comment: The p.Gln3026X variant in BRCA2 has been reported in >10 individuals with BRCA2- associated cancers (Ikeda 2001, Sekine 2001, Sugano 2008, Kang 2015, Arai 2018). It was also absent from large population studies. This nonsense variant leads t o a premature termination codon at position 3026, which is predicted to lead to a truncated or absent protein. Heterozygous loss of function of the BRCA2 gene i s an established disease mechanism in hereditary breast and ovarian cancer (HBOC ). In addition, this variant was classified as Pathogenic on Sep 8, 2016 by the ClinGen-approved ENIGMA expert panel (Variation ID 38207). In summary, the p.Gln 3026X variant meets criteria to be classified as pathogenic for HBOC in an autos omal dominant manner. ACMG/AMP criteria applied: PVS1, PS4_Moderate, PM2.

Genomic Research Center, Shahid Beheshti University of Medical Sciences
Classification: Pathogenic for Breast-ovarian cancer, familial, susceptibility to, 2. Last evaluated: 2017-12-03. Review status: criteria provided, single submitter. Criteria: ACMG Guidelines, 2015. Collection method: clinical testing. Allele origin: inherited. Affected: yes. Not counted in ClinVar's aggregate classification.

ARUP Laboratories, Molecular Genetics and Genomics, ARUP Laboratories
Classification: Pathogenic. Last evaluated: 2017-05-31. Review status: criteria provided, single submitter. Criteria: ARUP Molecular Germline Variant Investigation Process. Collection method: clinical testing. Allele origin: germline. Not counted in ClinVar's aggregate classification.
Comment: The BRCA2 c.9076C>T, p.Gln3026Ter variant (rs80359159) has been reported in a family with breast and ovarian cancer (Sekine 2001). Minigene analysis indicates that the variant generates a transcript that leads to a premature termination codon through a frameshift or nonsense codon, or a transcript lacking 2 exons and approximately 101 amino acids (Acedo 2012). The variant is classified as pathogenic in ClinVar (Variation ID: 38207), but not observed in the general population databases (1000 Genomes Project, Exome Variant Server, Genome Aggregation Database). The variant introduces a premature termination codon, and is predicted to result in a truncated protein or an absent transcript. Based on the above information, the variant is classified as pathogenic. References: Acedo A et al. Comprehensive splicing functional analysis of DNA variants of the BRCA2 gene by hybrid minigenes. Breast Cancer Res. 2012; 14(3):R87. Sekine M et al. Mutational analysis of BRCA1 and BRCA2 and clinicopathologic analysis of ovarian cancer in 82 ovarian cancer families: two common founder mutations of BRCA1 in Japanese population. Clin Cancer Res. 2001; 7(10):3144-50.

Cancer Genetics and Genomics Laboratory, British Columbia Cancer Agency
Classification: Pathogenic for Hereditary breast ovarian cancer syndrome. Last evaluated: 2017-04-18. Review status: criteria provided, single submitter. Criteria: ACMG Guidelines, 2015. Collection method: clinical testing. Allele origin: germline. Study: The Canadian Open Genetics Repository (COGR). Not counted in ClinVar's aggregate classification.

Consortium of Investigators of Modifiers of BRCA1/2 (CIMBA), c/o University of Cambridge
Classification: Pathogenic for Breast-ovarian cancer, familial, susceptibility to, 2. Last evaluated: 2015-10-02. Review status: criteria provided, single submitter. Criteria: CIMBA Mutation Classification guidelines May 2016. Collection method: clinical testing. Allele origin: germline. Not counted in ClinVar's aggregate classification.

Genome Diagnostics Laboratory, University Medical Center Utrecht
Classification: Pathogenic for Breast-ovarian cancer, familial, susceptibility to, 2. Last evaluated: 2014-10-08. Review status: criteria provided, single submitter. Criteria: ACGS Guidelines, 2013. Collection method: clinical testing. Allele origin: germline. Affected: yes. Study: VKGL Data-share Consensus. Not counted in ClinVar's aggregate classification.

PreventionGenetics, part of Exact Sciences
Classification: Pathogenic for BRCA2-related condition. Last evaluated: 2024-08-28. Review status: no assertion criteria provided. Collection method: clinical testing. Allele origin: germline. Not counted in ClinVar's aggregate classification.
Comment: The BRCA2 c.9076C>T variant is predicted to result in premature protein termination (p.Gln3026*). This variant was reported in multiple individuals with breast, ovarian cancer, or other cancers (see examples: Table 2, Sekine et al. 2001. PubMed ID: 11595708;  Momozawa et al. 2018. PubMed ID: 30287823; Figure 1 and Table S1, Park. 2017. PubMed ID: 28111427; Table 1, Antonarakis. 2018. PubMed ID: 29439820).  This variant has not been reported in a large population database, indicating this variant is rare. In ClinVar, this variant is interpreted as pathogenic. Nonsense variants in BRCA2 are expected to be pathogenic. This variant is interpreted as pathogenic.

Laboratory for Genotyping Development, RIKEN
Classification: Pathogenic for Gastric cancer. Last evaluated: 2021-07-01. Review status: no assertion criteria provided. Collection method: research. Allele origin: germline. Not counted in ClinVar's aggregate classification.

Foulkes Cancer Genetics LDI, Lady Davis Institute for Medical Research
Classification: Pathogenic for Breast and/or ovarian cancer. Last evaluated: 2014-07-30. Review status: no assertion criteria provided. Collection method: clinical testing. Allele origin: germline. Study: The Canadian Open Genetics Repository (COGR). Not counted in ClinVar's aggregate classification.

Sharing Clinical Reports Project (SCRP)
Classification: Pathogenic for Breast-ovarian cancer, familial 2. Last evaluated: 2013-01-29. Review status: no assertion criteria provided. Collection method: clinical testing. Allele origin: germline. Not counted in ClinVar's aggregate classification.

Breast Cancer Information Core (BIC) (BRCA2)
Classification: Pathogenic for Breast-ovarian cancer, familial 2. Last evaluated: 2004-02-20. Review status: no assertion criteria provided. Collection method: clinical testing. Allele origin: germline. Affected: yes. Observed: 3 variant alleles. Not counted in ClinVar's aggregate classification.

Department of Pathology and Laboratory Medicine, Sinai Health System
Classification: Pathogenic for Malignant tumor of breast. Review status: no assertion criteria provided. Collection method: clinical testing. Allele origin: unknown. Affected: yes. Study: The Canadian Open Genetics Repository (COGR). Not counted in ClinVar's aggregate classification.
Comment: The p.Gln3026X variant has been reported in 4 of 4712 proband chromosomes from individuals with breast or ovarian cancer (Sekine 2001, Sugano 2008, Kim 2012). This variant leads to a premature stop codon at position 3026, which is predicted to lead to a truncated or absent protein and loss of function. Loss of function variants of the BRCA2 gene are an established mechanism of hereditary breast and ovarian cancer and is the type of variant expected to cause the disorder. In summary, based on the above information, this variant meets our laboratory's criteria to be classified as pathogenic.

Diagnostic Laboratory, Department of Genetics, University Medical Center Groningen
Classification: Pathogenic for Breast-ovarian cancer, familial, susceptibility to, 2. Review status: no assertion criteria provided. Collection method: clinical testing. Allele origin: germline. Affected: yes. Study: VKGL Data-share Consensus. Not counted in ClinVar's aggregate classification.

Literature cited by the submitters: PubMed 20104584 (cited by Labcorp Genetics (formerly Invitae), Labcorp); PubMed 11595708 (cited by 5 submitters); PubMed 19016756 (cited by 5 submitters); PubMed 22632462 (cited by 5 submitters); PubMed 25863477 (cited by 5 submitters); PubMed 26187060 (cited by Labcorp Genetics (formerly Invitae), Labcorp); PubMed 27732944 (cited by 3 submitters); PubMed 28008555 (cited by 3 submitters); PubMed 28205045 (cited by Labcorp Genetics (formerly Invitae), Labcorp and Quest Diagnostics Nichols Institute San Juan Capistrano); PubMed 25525159 (cited by Ambry Genetics and Quest Diagnostics Nichols Institute San Juan Capistrano); PubMed 34645131 (cited by Quest Diagnostics Nichols Institute San Juan Capistrano); PubMed 35741847 (cited by Quest Diagnostics Nichols Institute San Juan Capistrano); PubMed 36988593 (cited by Quest Diagnostics Nichols Institute San Juan Capistrano and Laboratory for Genotyping Development, RIKEN); PubMed 36243179 (cited by Quest Diagnostics Nichols Institute San Juan Capistrano); PubMed 33471991 (cited by Quest Diagnostics Nichols Institute San Juan Capistrano and Color Diagnostics, LLC DBA Color Health); PubMed 29446198 (cited by Quest Diagnostics Nichols Institute San Juan Capistrano); PubMed 30287823 (cited by Quest Diagnostics Nichols Institute San Juan Capistrano and Color Diagnostics, LLC DBA Color Health); PubMed 32710294 (cited by Quest Diagnostics Nichols Institute San Juan Capistrano); PubMed 29176636 (cited by Quest Diagnostics Nichols Institute San Juan Capistrano and Laboratory for Molecular Medicine, Mass General Brigham Personalized Medicine); PubMed 29439820 (cited by Quest Diagnostics Nichols Institute San Juan Capistrano); PubMed 30350268 (cited by Quest Diagnostics Nichols Institute San Juan Capistrano); PubMed 29907814 (cited by Quest Diagnostics Nichols Institute San Juan Capistrano and Women's Health and Genetics/Laboratory Corporation of America, LabCorp); PubMed 22798144 (cited by Quest Diagnostics Nichols Institute San Juan Capistrano and Color Diagnostics, LLC DBA Color Health); PubMed 11149425 (cited by Color Diagnostics, LLC DBA Color Health and Laboratory for Molecular Medicine, Mass General Brigham Personalized Medicine); PubMed 31214711 (cited by Color Diagnostics, LLC DBA Color Health); PubMed 32980694 (cited by Color Diagnostics, LLC DBA Color Health); PubMed 16912212 (cited by Women's Health and Genetics/Laboratory Corporation of America, LabCorp).